The following is an entry in ClinVar:

ClinVar aggregate classification (germline): Uncertain significance (1 of 4 stars; one submission).

Conditions:
Familial adenomatous polyposis 1 (FAP1). Also called: FAMILIAL ADENOMATOUS POLYPOSIS 1, ATTENUATED; POLYPOSIS, ADENOMATOUS INTESTINAL. Identifiers: MedGen C2713442, MONDO:0021056, OMIM 175100. Disease mechanism: loss of function.

Submission:

Labcorp Genetics (formerly Invitae), Labcorp
Classification: Uncertain significance for Familial adenomatous polyposis 1. Last evaluated: 2020-06-29. Review status: criteria provided, single submitter. Criteria: Invitae Variant Classification Sherloc (09022015). Collection method: clinical testing. Allele origin: germline.
Comment: In summary, the available evidence is currently insufficient to determine the role of this variant in disease. Therefore, it has been classified as a Variant of Uncertain Significance. Experimental studies and prediction algorithms are not available for this variant, and the functional significance of this non-coding change is currently unknown. This variant has not been reported in the literature in individuals with APC-related conditions. The frequency data for this variant in the population databases is considered unreliable, as metrics indicate insufficient coverage at this position in the ExAC database. This variant occurs in a non-coding region of the APC gene. It does not change the encoded amino acid sequence of the APC protein.

NC_000005.10:g.112707422C>A

Gene: APC (APC regulator of Wnt signaling pathway; plus strand). Cytogenetic location: 5q22.2.
Variant type: single nucleotide variant.
Genome position: GRCh38 VCF-style: chr5-112707422-C-A. GRCh37 (hg19) VCF-style: chr5-112043119-C-A.
Identifiers: ClinVar variation 1007581 (VCV001007581.10), dbSNP rs1750559277, ClinGen allele CA1573442282.